The following is an entry in ClinVar:

ClinVar aggregate classification (germline): Uncertain significance (1 of 4 stars; one submission).

Submission:

Labcorp Genetics (formerly Invitae), Labcorp
Classification: Uncertain significance. Last evaluated: 2022-05-27. Review status: criteria provided, single submitter. Criteria: Invitae Variant Classification Sherloc (09022015). Collection method: clinical testing. Allele origin: germline.
Comment: This sequence change replaces lysine, which is basic and polar, with methionine, which is neutral and non-polar, at codon 59 of the ARSG protein (p.Lys59Met). This variant is not present in population databases (gnomAD no frequency). This variant has not been reported in the literature in individuals affected with ARSG-related conditions. Algorithms developed to predict the effect of missense changes on protein structure and function are either unavailable or do not agree on the potential impact of this missense change (SIFT: "Tolerated"; PolyPhen-2: "Probably Damaging"; Align-GVGD: "Class C0"). In summary, the available evidence is currently insufficient to determine the role of this variant in disease. Therefore, it has been classified as a Variant of Uncertain Significance.

NM_001267727.2(ARSG):c.176A>T (p.Lys59Met)

Gene: ARSG (arylsulfatase G; plus strand). Cytogenetic location: 17q24.2.
Variant type: single nucleotide variant.
Coding change: c.176A>T on transcript NM_001267727.2 (MANE Select); coding-DNA position 176, A replaced by T.
Protein change: p.Lys59Met; replaces lysine 59 with methionine.
Molecular consequence: missense variant.
Genome position (GRCh38, 1-based): chr17:68,307,669, A>T. VCF-style: chr17-68307669-A-T. GRCh37 (hg19) VCF-style: chr17-66303810-A-T.
Other names: c.176A>T, p.Lys59Met (NM_001352906.2, NM_001352907.2, NM_001352909.2 and 9 more transcripts); short protein forms K59M.
Identifiers: ClinVar variation 1999686 (VCV001999686.4), dbSNP rs2510060048, ClinGen allele CA400746356.